The following is an entry in ClinVar:

NM_002804.5(PSMC3):c.1014G>A (p.Leu338=)

Gene: PSMC3 (proteasome 26S subunit, ATPase 3; minus strand). Cytogenetic location: 11p11.2.
Variant type: single nucleotide variant.
Coding change: c.1014G>A on transcript NM_002804.5 (MANE Select); coding-DNA position 1014, G replaced by A.
Protein change: p.Leu338=; no amino-acid change (leucine 338 retained).
Molecular consequence: synonymous variant.
Genome position (GRCh38, 1-based): chr11:47,420,377, C>T on the plus strand (G>A on the coding strand, the complement: PSMC3 is on the minus strand). VCF-style: chr11-47420377-C-T. GRCh37 (hg19) VCF-style: chr11-47441928-C-T.
Identifiers: ClinVar variation 2641767 (VCV002641767.24), dbSNP rs151081942, ClinGen allele CA5976192.

ClinVar aggregate classification (germline): Likely benign (1 of 4 stars; one submission).

Allele frequency attached by ClinVar (database versions not stated): 1000 Genomes Project 30x 0.00031; 1000 Genomes Project 0.00040; gnomAD 0.00153; TOPMed 0.00162; ExAC 0.00184; ESP Exome Variant Server 0.00231; gnomAD exomes 0.00272.
gnomAD v4.1: 4,148 of 1,613,950 alleles (0.26%); highest among the groups gnomAD compares: Non-Finnish European, 0.33%; 10 homozygotes.

Submission:

CeGaT Center for Human Genetics Tuebingen
Classification: Likely benign. Last evaluated: 2025-02-01. Review status: criteria provided, single submitter. Criteria: CeGaT Center For Human Genetics Tuebingen Variant Classification Criteria Version 2. Collection method: clinical testing. Allele origin: germline. Affected: yes. Observed: 2 variant alleles.
Comment: PSMC3: BP4, BS2